The following is an entry in ClinVar:

ClinVar aggregate classification (germline): Benign/Likely benign. Review status: criteria provided, multiple submitters, no conflicts (2 of 4 stars). 3 submissions from 3 submitters: Benign (1); Likely benign (1). 1 of the submissions does not count toward it. Last evaluated 2023-10-01.

Conditions:
MYT1L-related disorder. Also called: MYT1L-related condition.

Allele frequency attached by ClinVar (database versions not stated): gnomAD exomes 0.00003 and 0.00010; ExAC 0.00015; 1000 Genomes Project 30x 0.00031; 1000 Genomes Project 0.00040; gnomAD 0.00042 and 0.00045; TOPMed 0.00049; ESP Exome Variant Server 0.00110.
gnomAD v4.1: 104 of 1,613,976 alleles (0.0064%); highest among the groups gnomAD compares: African/African-American, 0.13%; no homozygotes.

Submissions (3):

CeGaT Center for Human Genetics Tuebingen
Classification: Likely benign. Last evaluated: 2023-10-01. Review status: criteria provided, single submitter. Criteria: CeGaT Center For Human Genetics Tuebingen Variant Classification Criteria Version 2. Collection method: clinical testing. Allele origin: germline. Affected: yes. Observed: 1 variant allele.
Comment: MYT1L: BP4, BP7, BS1

GeneDx
Classification: Benign. Last evaluated: 2020-05-20. Review status: criteria provided, single submitter. Criteria: GeneDx Variant Classification Process June 2021. Collection method: clinical testing. Allele origin: germline. Affected: yes.

PreventionGenetics, part of Exact Sciences
Classification: Likely benign for MYT1L-related condition. Last evaluated: 2019-11-11. Review status: no assertion criteria provided. Collection method: clinical testing. Allele origin: germline. Not counted in ClinVar's aggregate classification.
Comment: This variant is classified as likely benign based on ACMG/AMP sequence variant interpretation guidelines (Richards et al. 2015 PMID: 25741868, with internal and published modifications).

NM_001303052.2(MYT1L):c.915C>T (p.Pro305=)

Gene: MYT1L (myelin transcription factor 1 like; minus strand). Cytogenetic location: 2p25.3.
Variant type: single nucleotide variant.
Coding change: c.915C>T on transcript NM_001303052.2 (MANE Select); coding-DNA position 915, C replaced by T.
Protein change: p.Pro305=; no amino-acid change (proline 305 retained).
Molecular consequence: synonymous variant.
Genome position (GRCh38, 1-based): chr2:1,922,854, G>A on the plus strand (C>T on the coding strand, the complement: MYT1L is on the minus strand). VCF-style: chr2-1922854-G-A. GRCh37 (hg19) VCF-style: chr2-1926626-G-A.
Other names: c.915C>T, p.Pro305= (NM_001329844.2, NM_001329845.1, NM_001329846.3 and 6 more transcripts); c.915C>T (NM_001303052.1).
Identifiers: ClinVar variation 1233930 (VCV001233930.28), dbSNP rs183694893, ClinGen allele CA1514329.